The following is an entry in ClinVar:

ClinVar aggregate classification (germline): Uncertain significance. Review status: criteria provided, multiple submitters, no conflicts (2 of 4 stars). 2 submissions from 2 submitters: Uncertain significance (2). Last evaluated 2022-05-11.

Allele frequency attached by ClinVar (database versions not stated): TOPMed 0.00001.

Submissions (2):

GeneDx
Classification: Uncertain significance. Last evaluated: 2022-05-11. Review status: criteria provided, single submitter. Criteria: GeneDx Variant Classification Process June 2021. Collection method: clinical testing. Allele origin: germline. Affected: yes.
Comment: Not observed at significant frequency in large population cohorts (gnomAD); In silico analysis supports that this missense variant does not alter protein structure/function; Has not been previously published as pathogenic or benign to our knowledge

Eurofins Ntd Llc (ga)
Classification: Uncertain significance. Last evaluated: 2018-09-06. Review status: criteria provided, single submitter. Criteria: EGL ClinVar v180209 classification definitions. Collection method: clinical testing. Allele origin: germline. Observed: 1 variant allele, 1 heterozygote.

NM_004380.3(CREBBP):c.3559C>G (p.Gln1187Glu)

Gene: CREBBP (CREB binding protein; minus strand). Cytogenetic location: 16p13.3.
Variant type: single nucleotide variant.
Coding change: c.3559C>G on transcript NM_004380.3 (MANE Select); coding-DNA position 3559, C replaced by G.
Protein change: p.Gln1187Glu; replaces glutamine 1187 with glutamic acid.
Molecular consequence: missense variant.
Genome position (GRCh38, 1-based): chr16:3,757,859, G>C on the plus strand (C>G on the coding strand, the complement: CREBBP is on the minus strand). VCF-style: chr16-3757859-G-C. GRCh37 (hg19) VCF-style: chr16-3807860-G-C.
Other names: c.3445C>G, p.Gln1149Glu (NM_001079846.1); short protein forms Q1187E, Q1149E.
Identifiers: ClinVar variation 598617 (VCV000598617.7), dbSNP rs1311122629, ClinGen allele CA394568651.
Genomic context (GRCh38, chr16:3,757,859, plus strand): 5'-AAAACTGTACCTTGCGTCCACAGCAATATCCAAGGGACTGCATGACAGGGTCAATTTCCT[G>C]CTCAAAGACCTCTGCAAGCTTACTGCAAAACTTATAGACTCGGGATGTCTTGCGATTATA-3'
Protein context (NP_004371.2, residues 1177-1197): FCSKLAEVFE[Gln1187Glu]EIDPVMQSLG